The following is an entry in ClinVar:

NM_000051.4(ATM):c.5144T>C (p.Leu1715Pro)

Gene: ATM (ATM serine/threonine kinase; plus strand). Cytogenetic location: 11q22.3.
Variant type: single nucleotide variant.
Coding change: c.5144T>C on transcript NM_000051.4 (MANE Select); coding-DNA position 5144, T replaced by C.
Protein change: p.Leu1715Pro; replaces leucine 1715 with proline.
Molecular consequence: missense variant.
Genome position (GRCh38, 1-based): chr11:108,299,852, T>C. VCF-style: chr11-108299852-T-C. GRCh37 (hg19) VCF-style: chr11-108170579-T-C.
Other names: c.5144T>C, p.Leu1715Pro (NM_001351834.2); short protein forms L1715P.
Identifiers: ClinVar variation 236730 (VCV000236730.42), dbSNP rs747800057, ClinGen allele CA6265633.

ClinVar aggregate classification (germline): Conflicting classifications of pathogenicity. Review status: criteria provided, conflicting classifications (1 of 4 stars). 10 submissions from 10 submitters: Likely pathogenic (7); Uncertain significance (2). 1 of the submissions does not count toward it. Last evaluated 2026-09-01.

Conditions:
Hereditary cancer-predisposing syndrome. Also called: Hereditary neoplastic syndrome; Hereditary Cancer Syndrome; Neoplastic Syndromes, Hereditary; Tumor predisposition. Identifiers: Orphanet 140162, MedGen C0027672, MeSH D009386, MONDO:0015356.
Familial cancer of breast. Also called: Hereditary breast cancer; BREAST CANCER, FAMILIAL; hereditary breast carcinoma. Identifiers: Orphanet 227535, MedGen C0346153, MONDO:0016419, OMIM 114480. Disease mechanism: loss of function.
Ataxia-telangiectasia syndrome (AT). Also called: Ataxia-telangiectasia, complementation group D; Ataxia telangiectasia (A-T); LOUIS-BAR SYNDROME; AT, COMPLEMENTATION GROUP C; ATAXIA-TELANGIECTASIA, COMPLEMENTATION GROUP A; ATAXIA-TELANGIECTASIA, FRESNO VARIANT. Identifiers: Orphanet 100, MedGen C0004135, MONDO:0008840, OMIM 208900.

Allele frequency attached by ClinVar (database versions not stated): gnomAD exomes below 0.00001 and 0.00001; ExAC 0.00001; gnomAD 0.00001.
gnomAD v4.1: 15 of 1,613,842 alleles (0.00093%); highest among the groups gnomAD compares: Non-Finnish European, 0.0013%; no homozygotes.

Submissions (10):

CeGaT Center for Human Genetics Tuebingen
Classification: Likely pathogenic. Last evaluated: 2026-09-01. Review status: criteria provided, single submitter. Criteria: CeGaT Center For Human Genetics Tuebingen Variant Classification Criteria Version 2. Collection method: clinical testing. Allele origin: germline. Affected: yes. Observed: 2 variant alleles.
Comment: ATM: PM3:Strong, PM2

Myriad Genetics, Inc.
Classification: Likely pathogenic for Familial cancer of breast. Last evaluated: 2026-05-08. Review status: criteria provided, single submitter. Criteria: Myriad Autosomal Dominant, Autosomal Recessive and X-Linked Classification Criteria (2023). Collection method: clinical testing. Allele origin: unknown.
Comment: This variant is considered likely pathogenic. This variant has been reported in multiple individuals with clinical features of gene-specific disease [PMID: 26896183, 38917355, 31050087]. Functional studies indicate this variant impacts protein function [PMID: 26896183]. This variant is expected to disrupt protein structure [Myriad internal data].

Labcorp Genetics (formerly Invitae), Labcorp
Classification: Likely pathogenic for Ataxia-telangiectasia syndrome. Last evaluated: 2026-01-26. Review status: criteria provided, single submitter. Criteria: Invitae Variant Classification Sherloc (09022015). Collection method: clinical testing. Allele origin: germline.
Comment: This sequence change replaces leucine, which is neutral and non-polar, with proline, which is neutral and non-polar, at codon 1715 of the ATM protein (p.Leu1715Pro). This variant is present in population databases (rs747800057, gnomAD 0.0009%). This missense change has been observed in individual(s) with ataxia-telangiectasia and/or pancreatic cancer (PMID: 26896183, 30819809, 35047863, 38917355). ClinVar contains an entry for this variant (Variation ID: 236730). Invitae Evidence Modeling of protein sequence and biophysical properties (such as structural, functional, and spatial information, amino acid conservation, physicochemical variation, residue mobility, and thermodynamic stability) has been performed for this missense variant. However, the output from this modeling did not meet the statistical confidence thresholds required to predict the impact of this variant on ATM protein function. In summary, the currently available evidence indicates that the variant is pathogenic, but additional data are needed to prove that conclusively. Therefore, this variant has been classified as Likely Pathogenic.

Ambry Genetics
Classification: Likely pathogenic for Hereditary cancer-predisposing syndrome. Last evaluated: 2025-05-27. Review status: criteria provided, single submitter. Criteria: Ambry Variant Classification Scheme 2023. Collection method: clinical testing. Allele origin: germline.
Comment: The p.L1715P variant (also known as c.5144T>C), located in coding exon 33 of the ATM gene, results from a T to C substitution at nucleotide position 5144. The leucine at codon 1715 is replaced by proline, an amino acid with similar properties. This alteration has been reported in the homozygous state and in conjunction with a likely pathogenic or pathogenic ATM variant in individuals diagnosed with ataxia-telangiectasia (Jackson TJ et al. Dev Med Child Neurol, 2016 07;58:690-7; van Os NJH et al. J Med Genet, 2019 05;56:308-316; Fi&eacute;vet A et al. Hum Mutat, 2019 10;40:1713-1730). This variant is considered to be rare based on population cohorts in the Genome Aggregation Database (gnomAD). This amino acid position is highly conserved in available vertebrate species. In addition, this alteration is predicted to be deleterious by in silico analysis. Based on the majority of available evidence to date, this variant is likely to be pathogenic.

Color Diagnostics, LLC DBA Color Health
Classification: Likely pathogenic for Hereditary cancer-predisposing syndrome. Last evaluated: 2025-05-06. Review status: criteria provided, single submitter. Criteria: ACMG Guidelines, 2015. Collection method: clinical testing. Allele origin: germline.
Comment: This missense variant replaces leucine with proline at codon 1715 of the ATM protein. Computational prediction suggests that this variant may have deleterious impact on protein structure and function. This variant has been observed in the compound heterozygous state and homozygous state in individuals affected with autosomal recessive ataxia-telangiectasia (PMID: 26896183, 30819809, 31050087), indicating that this variant contributes to disease. Cells derived from one of these individuals showed phosphorylation activity comparable to healthy controls (PMID: 31050087). This variant has been identified in 1/251094 chromosomes in the general population by the Genome Aggregation Database (gnomAD). Based on the available evidence, this variant is classified as Likely Pathogenic.

Institute of Human Genetics, University of Leipzig Medical Center
Classification: Uncertain significance for Familial cancer of breast. Last evaluated: 2024-02-05. Review status: criteria provided, single submitter. Criteria: ACMG Guidelines, 2015. Collection method: clinical testing. Allele origin: unknown. Inheritance: Autosomal dominant inheritance. Affected: yes.
Comment: Criteria applied: PM3,PM2_SUP,PP3

Quest Diagnostics Nichols Institute San Juan Capistrano
Classification: Likely pathogenic. Last evaluated: 2024-01-24. Review status: criteria provided, single submitter. Criteria: Quest Diagnostics criteria. Collection method: clinical testing. Allele origin: unknown.
Comment: The ATM c.5144T>C (p.Leu1715Pro) variant has been reported in the published literature in in several individuals with ataxia-telangiectasia, and were compound heterozygous for the variant and a pathogenic or likely pathogenic variant (PMIDs: 30819809 (2019), 26896183 (2016)). The frequency of this variant in the general population, 0.000004 (1/251094 chromosomes (Genome Aggregation Database)), is consistent with pathogenicity. Analysis of this variant using bioinformatics tools for the prediction of the effect of amino acid changes on protein structure and function yielded predictions that this variant is damaging. Based on the available information, this variant is classified as likely pathogenic.

Baylor Genetics
Classification: Likely pathogenic for Familial cancer of breast. Last evaluated: 2023-09-13. Review status: criteria provided, single submitter. Criteria: ACMG Guidelines, 2015. Collection method: clinical testing. Allele origin: unknown.

GeneDx
Classification: Uncertain significance. Last evaluated: 2021-11-29. Review status: criteria provided, single submitter. Criteria: GeneDx Variant Classification Process June 2021. Collection method: clinical testing. Allele origin: germline. Affected: yes.
Comment: Published functional studies demonstrate no damaging effect: similar to wild type controls in a phosphorylation assay (Fievet 2019); Not observed at significant frequency in large population cohorts (Lek 2016); In silico analysis supports that this missense variant has a deleterious effect on protein structure/function; Observed in the compound heterozygous state with a pathogenic ATM variant in siblings, one of which has exhibited clinical features suggestive of ataxia telangiectasia (Fievet 2019, van Os 2019); This variant is associated with the following publications: (PMID: 25742471, 31050087, 30819809)

Natera, Inc.
Classification: Uncertain significance for Ataxia-telangiectasia. Last evaluated: 2020-09-16. Review status: no assertion criteria provided. Collection method: clinical testing. Allele origin: germline. Not counted in ClinVar's aggregate classification.

Literature cited by the submitters: PubMed 26896183 (cited by 5 submitters); PubMed 38917355 (cited by Myriad Genetics, Inc. and Labcorp Genetics (formerly Invitae), Labcorp); PubMed 31050087 (cited by 4 submitters); PubMed 30819809 (cited by 4 submitters); PubMed 35047863 (cited by Labcorp Genetics (formerly Invitae), Labcorp).